The following is an entry in ClinVar:

ClinVar aggregate classification (germline): Conflicting classifications of pathogenicity. Review status: criteria provided, conflicting classifications (1 of 4 stars). 5 submissions from 5 submitters: Pathogenic (1); Likely pathogenic (1); Uncertain significance (1). 2 of the submissions do not count toward it. Last evaluated 2026-03-17.

Conditions:
Congenital defect of folate absorption. Also called: Hereditary Folate Malabsorption. Identifiers: Orphanet 90045, MedGen C0342705, MONDO:0009238, OMIM 229050.

Allele frequency attached by ClinVar (database versions not stated): ExAC 0.00003; gnomAD exomes 0.00003; TOPMed 0.00003; gnomAD 0.00004.
gnomAD v4.1: 115 of 1,613,800 alleles (0.0071%); highest among the groups gnomAD compares: Non-Finnish European, 0.0094%; no homozygotes.

Submissions (5):

GeneDx
Classification: Likely pathogenic. Last evaluated: 2026-03-17. Review status: criteria provided, single submitter. Criteria: GeneDx Variant Classification Process June 2021. Collection method: clinical testing. Allele origin: germline.
Comment: Published functional studies demonstrate a damaging effect: decreased protein expression and loss of transporter activity (PMID: 22843796); In silico analysis supports that this missense variant has a deleterious effect on protein structure/function; This variant is associated with the following publications: (PMID: 28685492, 21333572, 29778030, 22843796)

Labcorp Genetics (formerly Invitae), Labcorp
Classification: Uncertain significance. Last evaluated: 2023-10-13. Review status: criteria provided, single submitter. Criteria: Invitae Variant Classification Sherloc (09022015). Collection method: clinical testing. Allele origin: germline.
Comment: This sequence change replaces alanine, which is neutral and non-polar, with aspartic acid, which is acidic and polar, at codon 335 of the SLC46A1 protein (p.Ala335Asp). This variant is present in population databases (rs281875208, gnomAD 0.007%). This missense change has been observed in individual(s) with hereditary folate malabsorption (PMID: 21333572). In at least one individual the data is consistent with being in trans (on the opposite chromosome) from a pathogenic variant. ClinVar contains an entry for this variant (Variation ID: 30923). Advanced modeling of protein sequence and biophysical properties (such as structural, functional, and spatial information, amino acid conservation, physicochemical variation, residue mobility, and thermodynamic stability) performed at Invitae indicates that this missense variant is expected to disrupt SLC46A1 protein function. Experimental studies have shown that this missense change affects SLC46A1 function (PMID: 21333572, 22843796). In summary, the available evidence is currently insufficient to determine the role of this variant in disease. Therefore, it has been classified as a Variant of Uncertain Significance.

CeGaT Center for Human Genetics Tuebingen
Classification: Pathogenic. Last evaluated: 2019-11-01. Review status: criteria provided, single submitter. Criteria: CeGaT Center For Human Genetics Tuebingen Variant Classification Criteria Version 2. Collection method: clinical testing. Allele origin: germline. Affected: yes. Observed: 1 variant allele.

OMIM
Classification: Pathogenic for FOLATE MALABSORPTION, HEREDITARY. Last evaluated: 2011-05-01. Review status: no assertion criteria provided. Collection method: literature only. Allele origin: germline. Not counted in ClinVar's aggregate classification.

UniProtKB/Swiss-Prot
No classification provided. Review status: no classification provided. Collection method: not provided. Allele origin: not provided. Not counted in ClinVar's aggregate classification.

Literature cited by the submitters: PubMed 21333572 (cited by Labcorp Genetics (formerly Invitae), Labcorp and OMIM); PubMed 22843796 (cited by Labcorp Genetics (formerly Invitae), Labcorp).

NM_080669.6(SLC46A1):c.1004C>A (p.Ala335Asp)

Gene: SLC46A1 (solute carrier family 46 member 1; minus strand). Cytogenetic location: 17q11.2.
Variant type: single nucleotide variant.
Coding change: c.1004C>A on transcript NM_080669.6 (MANE Select); coding-DNA position 1004, C replaced by A.
Protein change: p.Ala335Asp; replaces alanine 335 with aspartic acid.
Molecular consequence: missense variant.
Genome position (GRCh38, 1-based): chr17:28,404,693, G>T on the plus strand (C>A on the coding strand, the complement: SLC46A1 is on the minus strand). VCF-style: chr17-28404693-G-T. GRCh37 (hg19) VCF-style: chr17-26731711-G-T.
Other names: c.1004C>A (LRG_183t1); c.1004C>A, p.Ala335Asp (NM_001242366.3); short protein forms A335D.
Identifiers: ClinVar variation 30923 (VCV000030923.48), dbSNP rs281875208, ClinGen allele CA026493.